The following is an entry in ClinVar:

ClinVar aggregate classification (germline): Pathogenic/Likely pathogenic. Review status: criteria provided, multiple submitters, no conflicts (2 of 4 stars). 3 submissions from 3 submitters: Pathogenic (1); Likely pathogenic (1). 1 of the submissions does not count toward it. Last evaluated 2025-04-17.

Conditions:
Saldino-Mainzer syndrome (SRTD9). Also called: CONORENAL SYNDROME; SHORT-RIB THORACIC DYSPLASIA 9 WITHOUT POLYDACTYLY; short-rib thoracic dysplasia 9 with or without polydactyly; Renal dysplasia, retinal pigmentary dystrophy, cerebellar ataxia and skeletal dysplasia. Identifiers: Orphanet 140969, MedGen C1849437, MONDO:0009964, OMIM 266920.
Retinitis pigmentosa 80 (RP80). Identifiers: MedGen C4540439, MONDO:0054708, OMIM 617781.
IFT140-related disorder. Also called: IFT140-related condition.

Allele frequency attached by ClinVar (database versions not stated): TOPMed 0.00002.
gnomAD v4.1: 4 of 1,614,068 alleles (0.00025%); highest among the groups gnomAD compares: Non-Finnish European, 0.00034%; no homozygotes.

Submissions (3):

Labcorp Genetics (formerly Invitae), Labcorp
Classification: Pathogenic for Saldino-Mainzer syndrome. Last evaluated: 2025-04-17. Review status: criteria provided, single submitter. Criteria: Invitae Variant Classification Sherloc (09022015). Collection method: clinical testing. Allele origin: germline.
Comment: This sequence change creates a premature translational stop signal (p.Trp80*) in the IFT140 gene. It is expected to result in an absent or disrupted protein product. Loss-of-function variants in IFT140 are known to be pathogenic (PMID: 22503633, 23418020, 24009529, 26216056). This variant is present in population databases (no rsID available, gnomAD 0.007%). This premature translational stop signal has been observed in individual(s) with retinitis pigmentosa (internal data). ClinVar contains an entry for this variant (Variation ID: 949617). For these reasons, this variant has been classified as Pathogenic.

Fulgent Genetics
Classification: Likely pathogenic for Saldino-Mainzer syndrome; Retinitis pigmentosa 80. Last evaluated: 2024-05-08. Review status: criteria provided, single submitter. Criteria: ACMG Guidelines, 2015. Collection method: clinical testing. Allele origin: germline.

PreventionGenetics, part of Exact Sciences
Classification: Pathogenic for IFT140-related condition. Last evaluated: 2024-08-30. Review status: no assertion criteria provided. Collection method: clinical testing. Allele origin: germline. Not counted in ClinVar's aggregate classification.
Comment: The IFT140 c.240G>A variant is predicted to result in premature protein termination (p.Trp80*). To our knowledge, this variant has not been reported in a clinically affected patient yet in the literature. This variant is reported in 0.0065% of alleles in individuals of European (Non-Finnish) descent in gnomAD. Nonsense variants in IFT140 are expected to be pathogenic. This variant is interpreted as pathogenic.

Literature cited by the submitters: PubMed 22503633 (cited by Labcorp Genetics (formerly Invitae), Labcorp); PubMed 23418020 (cited by Labcorp Genetics (formerly Invitae), Labcorp); PubMed 24009529 (cited by Labcorp Genetics (formerly Invitae), Labcorp); PubMed 26216056 (cited by Labcorp Genetics (formerly Invitae), Labcorp).

NM_014714.4(IFT140):c.240G>A (p.Trp80Ter)

Genes: IFT140 (intraflagellar transport 140; minus strand), LOC105371046 (uncharacterized LOC105371046; plus strand). Cytogenetic location: 16p13.3.
Variant type: single nucleotide variant.
Coding change: c.240G>A on transcript NM_014714.4 (MANE Select); coding-DNA position 240, G replaced by A.
Protein change: p.Trp80Ter; replaces tryptophan 80 with a stop codon.
Molecular consequence: nonsense.
Genome position (GRCh38, 1-based): chr16:1,602,499, C>T on the plus strand (G>A on the coding strand, the complement: IFT140 is on the minus strand). VCF-style: chr16-1602499-C-T. GRCh37 (hg19) VCF-style: chr16-1652500-C-T.
Other names: short protein forms W80*.
Identifiers: ClinVar variation 949617 (VCV000949617.10), dbSNP rs1471379682, ClinGen allele CA394223201.